The following is an entry in ClinVar:

ClinVar aggregate classification (germline): Likely benign (1 of 4 stars; one submission).

Submission:

CeGaT Center for Human Genetics Tuebingen
Classification: Likely benign. Last evaluated: 2022-04-01. Review status: criteria provided, single submitter. Criteria: CeGaT Center For Human Genetics Tuebingen Variant Classification Criteria Version 2. Collection method: clinical testing. Allele origin: germline. Affected: yes. Observed: 1 variant allele.
Comment: ANAPC1: PM2:Supporting, BP4, BP7

NM_022662.4(ANAPC1):c.1902A>C (p.Ala634=)

Gene: ANAPC1 (anaphase promoting complex subunit 1; minus strand). Cytogenetic location: 2q13.
Variant type: single nucleotide variant.
Coding change: c.1902A>C on transcript NM_022662.4 (MANE Select); coding-DNA position 1902, A replaced by C.
Protein change: p.Ala634=; no amino-acid change (alanine 634 retained).
Molecular consequence: synonymous variant.
Genome position (GRCh38, 1-based): chr2:111,843,550, T>G on the plus strand (A>C on the coding strand, the complement: ANAPC1 is on the minus strand). VCF-style: chr2-111843550-T-G. GRCh37 (hg19) VCF-style: chr2-112601127-T-G.
Identifiers: ClinVar variation 2651267 (VCV002651267.24), dbSNP rs746065457, ClinGen allele CA428271751.
Genomic context (GRCh38, chr2:111,843,550, plus strand): 5'-GTGATAACTGGGTCCTCCTGGAGCACTGTGGACATTGTACCACTTGACAAGCATCTGAAC[T>G]GCTATTTCTTTTGGCAGGATAAACTTAATTGCTTGCAAACACGTTTGTACTATTAAAAGC-3'
Protein context (NP_073153.1, residues 624-644): AIKFILPKEI[Ala634=]VQMLVKWYNV